The following is an entry in ClinVar:

NM_014874.4(MFN2):c.1357C>T (p.His453Tyr)

Gene: MFN2 (mitofusin 2; plus strand). Cytogenetic location: 1p36.22.
Variant type: single nucleotide variant.
Coding change: c.1357C>T on transcript NM_014874.4 (MANE Select); coding-DNA position 1357, C replaced by T.
Protein change: p.His453Tyr; replaces histidine 453 with tyrosine.
Molecular consequence: missense variant.
Genome position (GRCh38, 1-based): chr1:12,004,578, C>T. VCF-style: chr1-12004578-C-T. GRCh37 (hg19) VCF-style: chr1-12064635-C-T.
Other names: c.1357C>T, p.His453Tyr (NM_001127660.2); short protein forms H453Y.
Identifiers: ClinVar variation 2693739 (VCV002693739.4), dbSNP rs140027579, ClinGen allele CA18011374.

ClinVar aggregate classification (germline): Uncertain significance. Review status: criteria provided, multiple submitters, no conflicts (2 of 4 stars). 2 submissions from 2 submitters: Uncertain significance (2). Last evaluated 2025-04-21.

Conditions:
Charcot-Marie-Tooth disease type 2. Also called: Charcot-Marie-Tooth type 2. Identifiers: Orphanet 64746, MedGen C0270914, MONDO:0018993.

Allele frequency attached by ClinVar (database versions not stated): gnomAD 0.00001; gnomAD exomes below 0.00001; TOPMed 0.00007.
gnomAD v4.1: 4 of 1,614,012 alleles (0.00025%); highest among the groups gnomAD compares: African/African-American, 0.004%; no homozygotes.

Submissions (2):

GeneDx
Classification: Uncertain significance. Last evaluated: 2025-04-21. Review status: criteria provided, single submitter. Criteria: GeneDx Variant Classification Process June 2021. Collection method: clinical testing. Allele origin: germline. Affected: yes.
Comment: Not observed at significant frequency in large population cohorts (gnomAD); In silico analysis supports that this missense variant has a deleterious effect on protein structure/function; Has not been previously published as pathogenic or benign to our knowledge

Labcorp Genetics (formerly Invitae), Labcorp
Classification: Uncertain significance for Charcot-Marie-Tooth disease type 2. Last evaluated: 2025-03-25. Review status: criteria provided, single submitter. Criteria: Invitae Variant Classification Sherloc (09022015). Collection method: clinical testing. Allele origin: germline.
Comment: This sequence change replaces histidine, which is basic and polar, with tyrosine, which is neutral and polar, at codon 453 of the MFN2 protein (p.His453Tyr). This variant is present in population databases (rs140027579, gnomAD 0.007%). This variant has not been reported in the literature in individuals affected with MFN2-related conditions. ClinVar contains an entry for this variant (Variation ID: 2693739). Invitae Evidence Modeling of protein sequence and biophysical properties (such as structural, functional, and spatial information, amino acid conservation, physicochemical variation, residue mobility, and thermodynamic stability) has been performed for this missense variant. However, the output from this modeling did not meet the statistical confidence thresholds required to predict the impact of this variant on MFN2 protein function. In summary, the available evidence is currently insufficient to determine the role of this variant in disease. Therefore, it has been classified as a Variant of Uncertain Significance.